The following is an entry in ClinVar:

ClinVar aggregate classification (germline): Uncertain significance (1 of 4 stars; one submission).

Conditions:
Spermatogenic failure 18. Identifiers: MedGen C4539783, MONDO:0054615, OMIM 617576.
Ciliary dyskinesia, primary, 37 (CILD37). Also called: CILIARY DYSKINESIA, PRIMARY, 37, WITH OR WITHOUT SITUS INVERSUS. Identifiers: MedGen C4539798, MONDO:0033204, OMIM 617577.

Submission:

Labcorp Genetics (formerly Invitae), Labcorp
Classification: Uncertain significance for Ciliary dyskinesia, primary, 37; Spermatogenic failure 18. Last evaluated: 2025-02-24. Review status: criteria provided, single submitter. Criteria: Invitae Variant Classification Sherloc (09022015). Collection method: clinical testing. Allele origin: germline.
Comment: This sequence change replaces valine, which is neutral and non-polar, with isoleucine, which is neutral and non-polar, at codon 1708 of the DNAH1 protein (p.Val1708Ile). This variant is not present in population databases (gnomAD no frequency). This variant has not been reported in the literature in individuals affected with DNAH1-related conditions. ClinVar contains an entry for this variant (Variation ID: 2070744). Invitae Evidence Modeling of protein sequence and biophysical properties (such as structural, functional, and spatial information, amino acid conservation, physicochemical variation, residue mobility, and thermodynamic stability) indicates that this missense variant is not expected to disrupt DNAH1 protein function with a negative predictive value of 80%. In summary, the available evidence is currently insufficient to determine the role of this variant in disease. Therefore, it has been classified as a Variant of Uncertain Significance.

NM_015512.5(DNAH1):c.5122G>A (p.Val1708Ile)

Gene: DNAH1 (dynein axonemal heavy chain 1; plus strand). Cytogenetic location: 3p21.1.
Variant type: single nucleotide variant.
Coding change: c.5122G>A on transcript NM_015512.5 (MANE Select); coding-DNA position 5122, G replaced by A.
Protein change: p.Val1708Ile; replaces valine 1708 with isoleucine.
Molecular consequence: missense variant.
Genome position (GRCh38, 1-based): chr3:52,363,022, G>A. VCF-style: chr3-52363022-G-A. GRCh37 (hg19) VCF-style: chr3-52397038-G-A.
Other names: short protein forms V1708I.
Identifiers: ClinVar variation 2070744 (VCV002070744.4), dbSNP rs2153224429, ClinGen allele CA353139290.